The following is an entry in ClinVar:

NM_001136191.3(KANK2):c.1670C>G (p.Thr557Ser)

Gene: KANK2 (KN motif and ankyrin repeat domains 2; minus strand). Cytogenetic location: 19p13.2.
Variant type: single nucleotide variant.
Coding change: c.1670C>G on transcript NM_001136191.3 (MANE Select); coding-DNA position 1670, C replaced by G.
Protein change: p.Thr557Ser; replaces threonine 557 with serine.
Molecular consequence: missense variant.
Genome position (GRCh38, 1-based): chr19:11,176,668, G>C on the plus strand (C>G on the coding strand, the complement: KANK2 is on the minus strand). VCF-style: chr19-11176668-G-C. GRCh37 (hg19) VCF-style: chr19-11287344-G-C.
Other names: c.1670C>G, p.Thr557Ser (NM_001379560.1, NM_001379561.1, NM_001379562.1 and 7 more transcripts); c.1694C>G, p.Thr565Ser (NM_015493.7, NM_001379548.1, NM_001379549.1 and 5 more transcripts); short protein forms T557S, T565S.
Identifiers: ClinVar variation 3039611 (VCV003039611.4), dbSNP rs529121858, ClinGen allele CA9205572.

ClinVar aggregate classification (germline): Benign/Likely benign. Review status: criteria provided, multiple submitters, no conflicts (2 of 4 stars). 3 submissions from 3 submitters: Benign (1); Likely benign (1). 1 of the submissions does not count toward it. Last evaluated 2025-05-14.

Conditions:
KANK2-related disorder. Also called: KANK2-related condition.

Allele frequency attached by ClinVar (database versions not stated): TOPMed 0.00003; gnomAD exomes 0.00039; 1000 Genomes Project 30x 0.00047; 1000 Genomes Project 0.00060; ExAC 0.00093.
gnomAD v4.1: 577 of 1,613,702 alleles (0.036%); highest among the groups gnomAD compares: South Asian, 0.61%; 7 homozygotes.

Submissions (3):

Labcorp Genetics (formerly Invitae), Labcorp
Classification: Benign. Last evaluated: 2025-05-14. Review status: criteria provided, single submitter. Criteria: Invitae Variant Classification Sherloc (09022015). Collection method: clinical testing. Allele origin: germline.

Blueprint Genetics
Classification: Likely benign. Last evaluated: 2024-07-02. Review status: criteria provided, single submitter. Criteria: ACMG Guidelines, 2015. Collection method: clinical testing. Allele origin: germline.

PreventionGenetics, part of Exact Sciences
Classification: Likely benign for KANK2-related condition. Last evaluated: 2023-02-03. Review status: no assertion criteria provided. Collection method: clinical testing. Allele origin: germline. Not counted in ClinVar's aggregate classification.
Comment: This variant is classified as likely benign based on ACMG/AMP sequence variant interpretation guidelines (Richards et al. 2015 PMID: 25741868, with internal and published modifications).